The following is an entry in ClinVar:

GRCh37/hg19 15q25.2(chr15:83220107-84811774)x1

Genes: BTBD1 (BTB domain containing 1; minus strand), SCARNA15 (small Cajal body-specific RNA 15; plus strand), C15orf40 (chromosome 15 open reading frame 40; minus strand), SH3GL3 (SH3 domain containing GRB2 like 3, endophilin A3; plus strand), TM6SF1 (transmembrane 6 superfamily member 1; plus strand) and 8 more. Cytogenetic location: 15q25.2.
Variant type: copy number loss.
Change: copy number 1 (one copy instead of two) of chr15:83,220,107-84,811,774 (1.59 Mb, GRCh37 coordinates, 1-based), cytogenetic band 15q25.2.
Identifiers: ClinVar variation 2685526 (VCV002685526.1).

ClinVar aggregate classification (germline): Pathogenic (1 of 4 stars; one submission).

Submission:

Quest Diagnostics Nichols Institute San Juan Capistrano
Classification: Pathogenic. Last evaluated: 2022-12-14. Review status: criteria provided, single submitter. Criteria: ACMG/ClinGen CNV Guidelines, 2019. Collection method: clinical testing. Allele origin: unknown.
Comment: This deletion interval is consistent with chromosome 15q25 deletion syndrome region (LCR B-D, distal and proximal) (OMIM 614294), an emerging syndrome characterized by a distinct although variable spectrum of clinical manifestations (Burgess, et al., Am J Med Genet A. 2014 Jan;164A(1):77-86. PMID: 24352913; Palumbo et al., Am J Med Genet A. 2012 Dec;158A(12):3182-9. PMID: 23166063; Wagenstaller et al., Am J Hum Genet. 2007 Oct;81(4):768-79. PMID: 17847001; Doelken et al., Am J Med Genet A. 2013 Jan;161A(1):218-24. PMID: 23239641; Rehm et al., N Engl J Med. 2015 Jun 4;372(23):2235-42. PMID: 26014595 (ISCA-37500)).